The following is an entry in ClinVar:

ClinVar aggregate classification (germline): Uncertain significance (1 of 4 stars; one submission).

Conditions:
Hypertrophic cardiomyopathy. Also called: HYPERTROPHIC MYOCARDIOPATHY. Identifiers: Orphanet 217569, MedGen C0007194, MeSH D002312, MONDO:0005045, HP:0001639.

Submission:

Labcorp Genetics (formerly Invitae), Labcorp
Classification: Uncertain significance for Hypertrophic cardiomyopathy. Last evaluated: 2024-02-21. Review status: criteria provided, single submitter. Criteria: Invitae Variant Classification Sherloc (09022015). Collection method: clinical testing. Allele origin: germline.
Comment: This sequence change replaces proline, which is neutral and non-polar, with histidine, which is basic and polar, at codon 1243 of the MYBPC3 protein (p.Pro1243His). This variant is not present in population databases (gnomAD no frequency). This missense change has been observed in individual(s) with clinical features of MYBPC3-related conditions (Invitae). An algorithm developed to predict the effect of missense changes on protein structure and function (PolyPhen-2) suggests that this variant is likely to be disruptive. This variant disrupts the p.Pro1243 amino acid residue in MYBPC3. Other variant(s) that disrupt this residue have been observed in individuals with MYBPC3-related conditions (PMID: 33782553), which suggests that this may be a clinically significant amino acid residue. In summary, the available evidence is currently insufficient to determine the role of this variant in disease. Therefore, it has been classified as a Variant of Uncertain Significance.

Literature cited by the submitters: PubMed 33782553.

NM_000256.3(MYBPC3):c.3728C>A (p.Pro1243His)

Gene: MYBPC3 (myosin binding protein C3; minus strand). Cytogenetic location: 11p11.2.
Variant type: single nucleotide variant.
Coding change: c.3728C>A on transcript NM_000256.3 (MANE Select); coding-DNA position 3728, C replaced by A.
Protein change: p.Pro1243His; replaces proline 1243 with histidine.
Molecular consequence: missense variant.
Genome position (GRCh38, 1-based): chr11:47,332,158, G>T on the plus strand (C>A on the coding strand, the complement: MYBPC3 is on the minus strand). VCF-style: chr11-47332158-G-T. GRCh37 (hg19) VCF-style: chr11-47353709-G-T.
Other names: short protein forms P1243H.
Identifiers: ClinVar variation 2749225 (VCV002749225.3), dbSNP rs863225266, ClinGen allele CA380311115.
Genomic context (GRCh38, chr11:47,332,158, plus strand): 5'-CGTGCCTCGCCCTGTAAGTTGGTGGCCCTGCAGACATAGATGCCCCCGTCAAAGGGGCAG[G>T]GCTTTCTAATCTCCAGAGTCAACACTCCCTGCTTGCTGAACATGCGGAAGCGGGCGTCTT-3'
Protein context (NP_000247.2, residues 1233-1253): QGVLTLEIRK[Pro1243His]CPFDGGIYVC